The following is an entry in ClinVar:

NM_014484.5(MOCS3):c.1000G>A (p.Glu334Lys)

Gene: MOCS3 (molybdenum cofactor synthesis 3; plus strand). Cytogenetic location: 20q13.13.
Variant type: single nucleotide variant.
Coding change: c.1000G>A on transcript NM_014484.5 (MANE Select); coding-DNA position 1000, G replaced by A.
Protein change: p.Glu334Lys; replaces glutamic acid 334 with lysine.
Molecular consequence: missense variant.
Genome position (GRCh38, 1-based): chr20:50,959,842, G>A. VCF-style: chr20-50959842-G-A. GRCh37 (hg19) VCF-style: chr20-49576379-G-A.
Other names: c.1000G>A (NM_014484.3); short protein forms E334K.
Identifiers: ClinVar variation 1417804 (VCV001417804.9), dbSNP rs1338500421, ClinGen allele CA408985429.

ClinVar aggregate classification (germline): Uncertain significance. Review status: criteria provided, multiple submitters, no conflicts (2 of 4 stars). 2 submissions from 2 submitters: Uncertain significance (2). Last evaluated 2025-06-25.

Allele frequency attached by ClinVar (database versions not stated): gnomAD exomes 0.00001; gnomAD 0.00002; TOPMed 0.00002.

Submissions (2):

Ambry Genetics
Classification: Uncertain significance. Last evaluated: 2025-06-25. Review status: criteria provided, single submitter. Criteria: Ambry Variant Classification Scheme 2023. Collection method: clinical testing. Allele origin: germline.

Labcorp Genetics (formerly Invitae), Labcorp
Classification: Uncertain significance. Last evaluated: 2025-05-27. Review status: criteria provided, single submitter. Criteria: Invitae Variant Classification Sherloc (09022015). Collection method: clinical testing. Allele origin: germline.
Comment: This sequence change replaces glutamic acid, which is acidic and polar, with lysine, which is basic and polar, at codon 334 of the MOCS3 protein (p.Glu334Lys). This variant is present in population databases (no rsID available, gnomAD 0.007%). This variant has not been reported in the literature in individuals affected with MOCS3-related conditions. ClinVar contains an entry for this variant (Variation ID: 1417804). An algorithm developed to predict the effect of missense changes on protein structure and function (PolyPhen-2) suggests that this variant is likely to be tolerated. In summary, the available evidence is currently insufficient to determine the role of this variant in disease. Therefore, it has been classified as a Variant of Uncertain Significance.